The following is an entry in ClinVar:

NM_002232.5(KCNA3):c.1402G>C (p.Gly468Arg)

Gene: KCNA3 (potassium voltage-gated channel subfamily A member 3; minus strand). Cytogenetic location: 1p13.3.
Variant type: single nucleotide variant.
Coding change: c.1402G>C on transcript NM_002232.5 (MANE Select); coding-DNA position 1402, G replaced by C.
Protein change: p.Gly468Arg; replaces glycine 468 with arginine.
Molecular consequence: missense variant. On other transcripts: non-coding transcript variant (1).
Genome position (GRCh38, 1-based): chr1:110,673,408, C>G on the plus strand (G>C on the coding strand, the complement: KCNA3 is on the minus strand). VCF-style: chr1-110673408-C-G. GRCh37 (hg19) VCF-style: chr1-111216030-C-G.
Other names: short protein forms G468R.
Identifiers: ClinVar variation 3068743 (VCV003068743.1), dbSNP rs2524761198, ClinGen allele CA341807987.

ClinVar aggregate classification (germline): Likely pathogenic (1 of 4 stars; one submission).

Conditions:
KCNA3-associated developmental and epileptic encephalopathy.

Submission:

Institute of Human Genetics, University of Leipzig Medical Center
Classification: Likely pathogenic for KCNA3-associated developmental and epileptic encephalopathy. Last evaluated: 2023-11-21. Review status: criteria provided, single submitter. Criteria: ACMG Guidelines, 2015. Collection method: research. Allele origin: germline. Inheritance: Autosomal dominant inheritance. Affected: yes. Observed: 1 variant allele.
Comment: Criteria applied: PS3, PM2_SUP, PP3

Literature cited by the submitters: PubMed 37964487.